The following is an entry in ClinVar:

ClinVar aggregate classification (germline): Uncertain significance (1 of 4 stars; one submission).

Conditions:
Perlman syndrome (PRLMNS). Identifiers: Orphanet 2849, MedGen C0796113, MONDO:0009965, OMIM 267000.

Allele frequency attached by ClinVar (database versions not stated): gnomAD exomes below 0.00001.
gnomAD v4.1: 2 of 1,614,008 alleles (0.00012%); highest among the groups gnomAD compares: Non-Finnish European, 0.00017%; no homozygotes.

Submission:

Labcorp Genetics (formerly Invitae), Labcorp
Classification: Uncertain significance for Perlman syndrome. Last evaluated: 2023-04-22. Review status: criteria provided, single submitter. Criteria: Invitae Variant Classification Sherloc (09022015). Collection method: clinical testing. Allele origin: germline.
Comment: An algorithm developed to predict the effect of missense changes on protein structure and function (PolyPhen-2) suggests that this variant is likely to be tolerated. This variant has not been reported in the literature in individuals affected with DIS3L2-related conditions. This variant is not present in population databases (gnomAD no frequency). This sequence change replaces methionine, which is neutral and non-polar, with threonine, which is neutral and polar, at codon 54 of the DIS3L2 protein (p.Met54Thr). In summary, the available evidence is currently insufficient to determine the role of this variant in disease. Therefore, it has been classified as a Variant of Uncertain Significance.

NM_152383.5(DIS3L2):c.161T>C (p.Met54Thr)

Gene: DIS3L2 (DIS3 like 3'-5' exoribonuclease 2; plus strand). Cytogenetic location: 2q37.1.
Variant type: single nucleotide variant.
Coding change: c.161T>C on transcript NM_152383.5 (MANE Select); coding-DNA position 161, T replaced by C.
Protein change: p.Met54Thr; replaces methionine 54 with threonine.
Molecular consequence: missense variant. On other transcripts: non-coding transcript variant (2).
Genome position (GRCh38, 1-based): chr2:232,015,622, T>C. VCF-style: chr2-232015622-T-C. GRCh37 (hg19) VCF-style: chr2-232880332-T-C.
Other names: c.161T>C, p.Met54Thr (NM_001257281.2, NM_001257282.2); short protein forms M54T.
Identifiers: ClinVar variation 2956550 (VCV002956550.3), dbSNP rs2469595869, ClinGen allele CA351152032.